The following is an entry in ClinVar:

NM_000255.4(MMUT):c.2201A>G (p.Gln734Arg)

Gene: MMUT (methylmalonyl-CoA mutase; minus strand). Cytogenetic location: 6p12.3.
Variant type: single nucleotide variant.
Coding change: c.2201A>G on transcript NM_000255.4 (MANE Select); coding-DNA position 2201, A replaced by G.
Protein change: p.Gln734Arg; replaces glutamine 734 with arginine.
Molecular consequence: missense variant.
Genome position (GRCh38, 1-based): chr6:49,431,780, T>C on the plus strand (A>G on the coding strand, the complement: MMUT is on the minus strand). VCF-style: chr6-49431780-T-C. GRCh37 (hg19) VCF-style: chr6-49399493-T-C.
Other names: short protein forms Q734R.
Identifiers: ClinVar variation 2110228 (VCV002110228.4), dbSNP rs983998340, ClinGen allele CA139201267.

ClinVar aggregate classification (germline): Uncertain significance (1 of 4 stars; one submission).

Submission:

Labcorp Genetics (formerly Invitae), Labcorp
Classification: Uncertain significance. Last evaluated: 2022-03-12. Review status: criteria provided, single submitter. Criteria: Invitae Variant Classification Sherloc (09022015). Collection method: clinical testing. Allele origin: germline.
Comment: In summary, the available evidence is currently insufficient to determine the role of this variant in disease. Therefore, it has been classified as a Variant of Uncertain Significance. This sequence change replaces glutamine, which is neutral and polar, with arginine, which is basic and polar, at codon 734 of the MUT protein (p.Gln734Arg). This variant is not present in population databases (gnomAD no frequency). This variant has not been reported in the literature in individuals affected with MUT-related conditions. Algorithms developed to predict the effect of missense changes on protein structure and function are either unavailable or do not agree on the potential impact of this missense change (SIFT: "Deleterious"; PolyPhen-2: "Benign"; Align-GVGD: "Class C0").